The following is an entry in ClinVar:

NM_003672.4(CDC14A):c.346A>G (p.Arg116Gly)

Gene: CDC14A (cell division cycle 14A; plus strand). Cytogenetic location: 1p21.2.
Variant type: single nucleotide variant.
Coding change: c.346A>G on transcript NM_003672.4 (MANE Select); coding-DNA position 346, A replaced by G.
Protein change: p.Arg116Gly; replaces arginine 116 with glycine.
Molecular consequence: missense variant. On other transcripts: 5 prime UTR variant (1).
Genome position (GRCh38, 1-based): chr1:100,424,258, A>G. VCF-style: chr1-100424258-A-G. GRCh37 (hg19) VCF-style: chr1-100889814-A-G.
Other names: c.346A>G, p.Arg116Gly (NM_001319210.2, NM_033312.3, NM_033313.3); c.172A>G, p.Arg58Gly (NM_001319211.2); c.-446A>G (NM_001319212.2); short protein forms R116G, R58G.
Identifiers: ClinVar variation 3368254 (VCV003368254.1).

ClinVar aggregate classification (germline): Uncertain significance (1 of 4 stars; one submission).

Submission:

GeneDx
Classification: Uncertain significance. Last evaluated: 2024-01-25. Review status: criteria provided, single submitter. Criteria: GeneDx Variant Classification Process June 2021. Collection method: clinical testing. Allele origin: germline. Affected: yes.
Comment: Not observed at significant frequency in large population cohorts (gnomAD); In silico analysis supports that this missense variant has a deleterious effect on protein structure/function; Has not been previously published as pathogenic or benign to our knowledge